The following is an entry in ClinVar:

ClinVar aggregate classification (germline): Uncertain significance. Review status: criteria provided, multiple submitters, no conflicts (2 of 4 stars). 2 submissions from 2 submitters: Uncertain significance (2). Last evaluated 2023-06-16.

Conditions:
Long QT syndrome (LQTS). Identifiers: MedGen C0023976, MeSH D008133, MONDO:0002442. Disease mechanism: loss of function. Inheritance: Various modes of inheritance.
Cardiovascular phenotype. Identifiers: MedGen CN230736.

Allele frequency attached by ClinVar (database versions not stated): gnomAD 0.00001.
gnomAD v4.1: 1 of 1,610,440 alleles (0.000062%); highest among the groups gnomAD compares: African/African-American, 0.0013%; no homozygotes.

Submissions (3):

Ambry Genetics
Classification: Uncertain significance for Cardiovascular phenotype. Last evaluated: 2023-06-16. Review status: criteria provided, single submitter. Criteria: Ambry Variant Classification Scheme 2023. Collection method: clinical testing. Allele origin: germline.
Comment: The p.P2096H variant (also known as c.6287C>A), located in coding exon 47 of the CACNA1C gene, results from a C to A substitution at nucleotide position 6287. The proline at codon 2096 is replaced by histidine, an amino acid with similar properties. This amino acid position is well conserved in available vertebrate species. In addition, the in silico prediction for this alteration is inconclusive. Since supporting evidence is limited at this time, the clinical significance of this alteration remains unclear.

Labcorp Genetics (formerly Invitae), Labcorp
Classification: Uncertain significance for Long QT syndrome. Last evaluated: 2019-11-06. Review status: criteria provided, single submitter. Criteria: Invitae Variant Classification Sherloc (09022015). Collection method: clinical testing. Allele origin: germline.
Comment: In summary, the available evidence is currently insufficient to determine the role of this variant in disease. Therefore, it has been classified as a Variant of Uncertain Significance. Algorithms developed to predict the effect of missense changes on protein structure and function are either unavailable or do not agree on the potential impact of this missense change (SIFT: "Tolerated"; PolyPhen-2: "Probably Damaging"; Align-GVGD: "Class C0"). This variant has not been reported in the literature in individuals with CACNA1C-related conditions. This variant is not present in population databases (ExAC no frequency). This sequence change replaces proline with histidine at codon 2096 of the CACNA1C protein (p.Pro2096His). The proline residue is moderately conserved and there is a moderate physicochemical difference between proline and histidine.

Dr. Peter K. Rogan Lab, Western University
No classification provided (evidence only). Condition: Thyroid cancer, nonmedullary, 1. Review status: no classification provided. Collection method: in vitro. Allele origin: not applicable. Functional consequence: retained intron. Not counted in ClinVar's aggregate classification.

NM_000719.7(CACNA1C):c.6287C>A (p.Pro2096His)

Genes: CACNA1C (calcium voltage-gated channel subunit alpha1 C; plus strand), CACNA1C-AS1 (CACNA1C antisense RNA 1; minus strand). Cytogenetic location: 12p13.33.
Variant type: single nucleotide variant.
Coding change: c.6287C>A on transcript NM_000719.7 (MANE Select); coding-DNA position 6287, C replaced by A.
Protein change: p.Pro2096His; replaces proline 2096 with histidine.
Molecular consequence: missense variant. On other transcripts: non-coding transcript variant (1).
Genome position (GRCh38, 1-based): chr12:2,691,069, C>A. VCF-style: chr12-2691069-C-A. GRCh37 (hg19) VCF-style: chr12-2800235-C-A.
Other names: c.6431C>A, p.Pro2144His (NM_001129827.2); c.6410C>A, p.Pro2137His (NM_001129829.2); c.6392C>A, p.Pro2131His (NM_001129830.3, NM_001167624.3); c.6371C>A, p.Pro2124His (NM_001129831.2); c.6347C>A, p.Pro2116His (NM_001129832.2); c.6344C>A, p.Pro2115His (NM_001129833.2, NM_001129834.2, NM_001129835.2); c.6338C>A, p.Pro2113His (NM_001129836.2); c.6311C>A, p.Pro2104His (NM_001129837.2, NM_001129838.2); and 6 more; short protein forms P2085H, P2102H, P2113H, P2116H, P2137H, P2156H, P2096H, P2104H.
Identifiers: ClinVar variation 961403 (VCV000961403.13), dbSNP rs2097781569, ClinGen allele CA383386922.
Genomic context (GRCh38, chr12:2,691,069, plus strand): 5'-GCGCGGCCGACAACATCCTCAGCGGGGGCGCCCCACAGAGCCCCAATGGCGCCCTCTTAC[C>A]CTTTGTGAACTGCAGGGACGCGGGGCAGGACCGAGCCGGGGGCGAAGAGGACGCGGGCTG-3'
Protein context (NP_000710.5, residues 2086-2106): APQSPNGALL[Pro2096His]FVNCRDAGQD